The following is an entry in ClinVar:

NM_017950.4(CCDC40):c.553-2A>G

Gene: CCDC40 (coiled-coil domain 40 molecular ruler complex subunit; plus strand). Cytogenetic location: 17q25.3.
Variant type: single nucleotide variant.
Coding change: c.553-2A>G on transcript NM_017950.4 (MANE Select); the canonical splice acceptor site of the intron before coding-DNA position 553, A replaced by G.
Molecular consequence: splice acceptor variant.
Genome position (GRCh38, 1-based): chr17:80,047,277, A>G. VCF-style: chr17-80047277-A-G. GRCh37 (hg19) VCF-style: chr17-78021076-A-G.
Other names: c.553-2A>G (NM_001243342.2, NM_001330508.2).
Identifiers: ClinVar variation 5019726 (VCV005019726.2).
Genomic context (GRCh38, chr17:80,047,277, plus strand): 5'-TTGAATAACTTCTCAGTGGCAATTAAGCCCTGTTGACTTAGTTTTGGTTGTTCTTGCCAT[A>G]GACAGGATCCACAGAGGAGCCCCAGGGGCAGGTGCTCCCAATGGGCGTCCAGCACCGCTT-3'

ClinVar aggregate classification (germline): Likely pathogenic (1 of 4 stars; one submission).

Conditions:
Primary ciliary dyskinesia 15. Also called: CILIARY DYSKINESIA, PRIMARY, 15, WITH OR WITHOUT SITUS INVERSUS. Identifiers: Orphanet 244, MedGen C3151137, MONDO:0013435, OMIM 613808.

Submission:

Juno Genomics, Hangzhou Juno Genomics, Inc
Classification: Likely pathogenic for Primary ciliary dyskinesia 15. Review status: criteria provided, single submitter. Criteria: ACMG Guidelines, 2015. Collection method: clinical testing. Allele origin: germline.
Comment: Absent from controls (or at extremely low frequency if recessive) in Genome Aggregation Database.;Null variant in a gene where loss of function (LOF) is a known mechanism of disease.